The following is an entry in ClinVar:

NM_001363118.2(SLC52A2):c.-110C>T

Gene: SLC52A2 (solute carrier family 52 member 2; plus strand). Cytogenetic location: 8q24.3.
Variant type: single nucleotide variant.
Coding change: c.-110C>T on transcript NM_001363118.2 (MANE Select); 110 bases upstream of the start codon, C replaced by T.
Molecular consequence: 5 prime UTR variant. On other transcripts: non-coding transcript variant (1), intron variant (6).
Genome position (GRCh38, 1-based): chr8:144,359,184, C>T. VCF-style: chr8-144359184-C-T. GRCh37 (hg19) VCF-style: chr8-145582844-C-T.
Other names: c.-110C>T (NM_001253816.2, NM_001363120.2, NM_001363122.2 and 4 more transcripts); c.-106-4C>T (NM_001438496.1, NM_001363121.2, NM_001438499.1 and 3 more transcripts).
Identifiers: ClinVar variation 4982753 (VCV004982753.1).
Genomic context (GRCh38, chr8:144,359,184, plus strand): 5'-TGGTCTCACCCTGTTCTGACTCCGGCTCTGCATCCTATCTGTTTCTCTGTTTCTTTCAAG[C>T]TAGAAGAAGTCTTCACTTCCCAGGAGAGCCAAAGCGTGTCTGGCCCTAGGTGGGAAAAGA-3'

ClinVar aggregate classification (germline): Likely benign (1 of 4 stars; one submission).

Conditions:
SLC52A2-related disorder. Also called: SLC52A2-related condition.

Submission:

PreventionGenetics, part of Exact Sciences
Classification: Likely benign for SLC52A2-related condition. Last evaluated: 2025-04-29. Review status: criteria provided, single submitter. Criteria: ACMG Guidelines, 2015. Collection method: clinical testing. Allele origin: germline.
Comment: This variant is classified as likely benign based on ACMG/AMP sequence variant interpretation guidelines (Richards et al. 2015 PMID: 25741868, with internal and published modifications).